The following is an entry in ClinVar:

ClinVar aggregate classification (germline): Uncertain significance (1 of 4 stars; one submission).

Conditions:
CHARGE syndrome (CHARGE). Also called: Hittner Hirsch Kreh syndrome; CHARGE ASSOCIATION--COLOBOMA, HEART ANOMALY, CHOANAL ATRESIA, RETARDATION, GENITAL AND EAR ANOMALIES; Coloboma, heart anomaly, choanal atresia, retardation, genital and ear anomalies; CHARGE association; Hall-Hittner syndrome. Identifiers: Orphanet 138, MedGen C0265354, MONDO:0008965.

Submission:

Labcorp Genetics (formerly Invitae), Labcorp
Classification: Uncertain significance for CHARGE syndrome. Last evaluated: 2024-05-23. Review status: criteria provided, single submitter. Criteria: Invitae Variant Classification Sherloc (09022015). Collection method: clinical testing. Allele origin: germline.
Comment: This sequence change falls in intron 34 of the CHD7 gene. It does not directly change the encoded amino acid sequence of the CHD7 protein. This variant is not present in population databases (gnomAD no frequency). This variant has not been reported in the literature in individuals affected with CHD7-related conditions. Algorithms developed to predict the effect of sequence changes on RNA splicing suggest that this variant may disrupt the consensus splice site. In summary, the available evidence is currently insufficient to determine the role of this variant in disease. Therefore, it has been classified as a Variant of Uncertain Significance.

NM_017780.4(CHD7):c.7608+8G>A

Gene: CHD7 (chromodomain helicase DNA binding protein 7; plus strand). Cytogenetic location: 8q12.2.
Variant type: single nucleotide variant.
Coding change: c.7608+8G>A on transcript NM_017780.4 (MANE Select); 8 bases into the intron after coding-DNA position 7608, G replaced by A.
Molecular consequence: intron variant.
Genome position (GRCh38, 1-based): chr8:60,856,896, G>A. VCF-style: chr8-60856896-G-A. GRCh37 (hg19) VCF-style: chr8-61769455-G-A.
Other names: c.1717-5333G>A (NM_001316690.1).
Identifiers: ClinVar variation 3654199 (VCV003654199.2).